The following is an entry in ClinVar:

NM_003738.5(PTCH2):c.1216C>A (p.Leu406Met)

Gene: PTCH2 (patched 2; minus strand). Cytogenetic location: 1p34.1.
Variant type: single nucleotide variant.
Coding change: c.1216C>A on transcript NM_003738.5 (MANE Select); coding-DNA position 1216, C replaced by A.
Protein change: p.Leu406Met; replaces leucine 406 with methionine.
Molecular consequence: missense variant.
Genome position (GRCh38, 1-based): chr1:44,829,312, G>T on the plus strand (C>A on the coding strand, the complement: PTCH2 is on the minus strand). VCF-style: chr1-44829312-G-T. GRCh37 (hg19) VCF-style: chr1-45294984-G-T.
Other names: c.1216C>A, p.Leu406Met (NM_001166292.2); short protein forms L406M.
Identifiers: ClinVar variation 1378804 (VCV001378804.6), dbSNP rs768659000, ClinGen allele CA823380.

ClinVar aggregate classification (germline): Uncertain significance (1 of 4 stars; one submission).

Conditions:
Gorlin syndrome. Also called: Basal cell nevus syndrome; Nevoid Basal Cell Carcinoma Syndrome. Identifiers: Orphanet 377, MedGen C0004779, MONDO:0007187.

Allele frequency attached by ClinVar (database versions not stated): gnomAD exomes below 0.00001 and 0.00001; TOPMed 0.00001; ExAC 0.00002.
gnomAD v4.1: 6 of 1,613,758 alleles (0.00037%); highest among the groups gnomAD compares: East Asian, 0.013%; no homozygotes.

Submission:

Labcorp Genetics (formerly Invitae), Labcorp
Classification: Uncertain significance for Gorlin syndrome. Last evaluated: 2023-07-14. Review status: criteria provided, single submitter. Criteria: Invitae Variant Classification Sherloc (09022015). Collection method: clinical testing. Allele origin: germline.
Comment: In summary, the available evidence is currently insufficient to determine the role of this variant in disease. Therefore, it has been classified as a Variant of Uncertain Significance. An algorithm developed to predict the effect of missense changes on protein structure and function (PolyPhen-2) suggests that this variant is likely to be disruptive. ClinVar contains an entry for this variant (Variation ID: 1378804). This variant has not been reported in the literature in individuals affected with PTCH2-related conditions. This variant is present in population databases (rs768659000, gnomAD 0.01%). This sequence change replaces leucine, which is neutral and non-polar, with methionine, which is neutral and non-polar, at codon 406 of the PTCH2 protein (p.Leu406Met).